The following is an entry in ClinVar:

NM_000316.3(PTH1R):c.1177A>G (p.Asn393Asp)

Gene: PTH1R (parathyroid hormone 1 receptor; plus strand). Cytogenetic location: 3p21.31.
Variant type: single nucleotide variant.
Coding change: c.1177A>G on transcript NM_000316.3 (MANE Select); coding-DNA position 1177, A replaced by G.
Protein change: p.Asn393Asp; replaces asparagine 393 with aspartic acid.
Molecular consequence: missense variant.
Genome position (GRCh38, 1-based): chr3:46,901,826, A>G. VCF-style: chr3-46901826-A-G. GRCh37 (hg19) VCF-style: chr3-46943316-A-G.
Other names: c.1177A>G, p.Asn393Asp (NM_001184744.1); c.1177A>G (NM_000316.2); short protein forms N393D.
Identifiers: ClinVar variation 1014979 (VCV001014979.6), dbSNP rs200623614, ClinGen allele CA73771835.

ClinVar aggregate classification (germline): Uncertain significance. Review status: criteria provided, multiple submitters, no conflicts (2 of 4 stars). 2 submissions from 2 submitters: Uncertain significance (2). Last evaluated 2024-11-07.

Conditions:
Inborn genetic diseases. Identifiers: MedGen C0950123, MeSH D030342.

Allele frequency attached by ClinVar (database versions not stated): gnomAD exomes 0.00001; gnomAD 0.00002; TOPMed 0.00005.

Submissions (2):

Ambry Genetics
Classification: Uncertain significance for Inborn genetic diseases. Last evaluated: 2024-11-07. Review status: criteria provided, single submitter. Criteria: Ambry Variant Classification Scheme 2023. Collection method: clinical testing. Allele origin: germline.

Labcorp Genetics (formerly Invitae), Labcorp
Classification: Uncertain significance. Last evaluated: 2023-03-16. Review status: criteria provided, single submitter. Criteria: Invitae Variant Classification Sherloc (09022015). Collection method: clinical testing. Allele origin: germline.
Comment: In summary, the available evidence is currently insufficient to determine the role of this variant in disease. Therefore, it has been classified as a Variant of Uncertain Significance. Advanced modeling of protein sequence and biophysical properties (such as structural, functional, and spatial information, amino acid conservation, physicochemical variation, residue mobility, and thermodynamic stability) performed at Invitae indicates that this missense variant is not expected to disrupt PTH1R protein function. ClinVar contains an entry for this variant (Variation ID: 1014979). This variant has not been reported in the literature in individuals affected with PTH1R-related conditions. This variant is present in population databases (no rsID available, gnomAD 0.004%). This sequence change replaces asparagine, which is neutral and polar, with aspartic acid, which is acidic and polar, at codon 393 of the PTH1R protein (p.Asn393Asp).